The following is an entry in ClinVar:

NM_006755.2(TALDO1):c.*2G>A

Gene: TALDO1 (transaldolase 1; plus strand). Cytogenetic location: 11p15.5.
Variant type: single nucleotide variant.
Coding change: c.*2G>A on transcript NM_006755.2 (MANE Select); 2 bases downstream of the stop codon, G replaced by A.
Molecular consequence: 3 prime UTR variant.
Genome position (GRCh38, 1-based): chr11:764,847, G>A. VCF-style: chr11-764847-G-A. GRCh37 (hg19) VCF-style: chr11-764847-G-A.
Identifiers: ClinVar variation 3050883 (VCV003050883.3), dbSNP rs148726202, ClinGen allele CA5788416.

ClinVar aggregate classification (germline): Likely benign. Review status: criteria provided, single submitter (1 of 4 stars). 2 submissions from 2 submitters: Likely benign (1). 1 of the submissions does not count toward it. Last evaluated 2025-10-07.

Conditions:
TALDO1-related disorder. Also called: TALDO1-related condition.

Allele frequency attached by ClinVar (database versions not stated): ExAC 0.00009; ESP Exome Variant Server 0.00038; 1000 Genomes Project 0.00020; gnomAD exomes 0.00003; gnomAD 0.00019; 1000 Genomes Project 30x 0.00016; TOPMed 0.00030.
gnomAD v4.1: 76 of 1,614,034 alleles (0.0047%); highest among the groups gnomAD compares: African/African-American, 0.061%; no homozygotes.

Submissions (2):

Mayo Clinic Laboratories, Mayo Clinic
Classification: Likely benign. Last evaluated: 2025-10-07. Review status: criteria provided, single submitter. Criteria: ACMG Guidelines, 2015. Collection method: clinical testing. Allele origin: germline. Observed: 1 variant allele.
Comment: BP4, BP7

PreventionGenetics, part of Exact Sciences
Classification: Likely benign for TALDO1-related condition. Last evaluated: 2021-06-09. Review status: no assertion criteria provided. Collection method: clinical testing. Allele origin: germline. Not counted in ClinVar's aggregate classification.
Comment: This variant is classified as likely benign based on ACMG/AMP sequence variant interpretation guidelines (Richards et al. 2015 PMID: 25741868, with internal and published modifications).